The following is an entry in ClinVar:

NM_001110556.2(FLNA):c.3106C>T (p.Arg1036Cys)

Gene: FLNA (filamin A; minus strand). Cytogenetic location: Xq28.
Variant type: single nucleotide variant.
Coding change: c.3106C>T on transcript NM_001110556.2 (MANE Select); coding-DNA position 3106, C replaced by T.
Protein change: p.Arg1036Cys; replaces arginine 1036 with cysteine.
Molecular consequence: missense variant.
Genome position (GRCh38, 1-based): chrX:154,361,409, G>A on the plus strand (C>T on the coding strand, the complement: FLNA is on the minus strand). VCF-style: chrX-154361409-G-A. GRCh37 (hg19) VCF-style: chrX-153589777-G-A.
Other names: p.Arg1036Cys; c.3106C>T, p.Arg1036Cys (NM_001456.4); short protein forms R1036C.
Identifiers: ClinVar variation 519885 (VCV000519885.34), dbSNP rs781844419, ClinGen allele CA10560776.

ClinVar aggregate classification (germline): Conflicting classifications of pathogenicity. Review status: criteria provided, conflicting classifications (1 of 4 stars). 6 submissions from 6 submitters: Uncertain significance (5); Benign (1). Last evaluated 2025-09-23.

Conditions:
Melnick-Needles syndrome (MNS). Also called: MELNICK-NEEDLES OSTEODYSPLASTY; Melnick-Needles Syndrome (FLNA-MNS); OSTEODYSPLASTY OF MELNICK AND NEEDLES. Identifiers: Orphanet 2484, MedGen C0025237, MONDO:0010650, OMIM 309350.
Frontometaphyseal dysplasia (FMD1). Identifiers: Orphanet 1826, MedGen C0265293, MONDO:0015942.
Heterotopia, periventricular, X-linked dominant (PVNH1). Also called: PERIVENTRICULAR NODULAR HETEROTOPIA 4; HETEROTOPIA, PERIVENTRICULAR, 1; PERIVENTRICULAR NODULAR HETEROTOPIA 1; X-linked periventricular heterotopia. Identifiers: Orphanet 2149, Orphanet 82004, MedGen C1848213, MONDO:0010233, OMIM 300049.
Oto-palato-digital syndrome, type II (OPD2). Also called: Otopalatodigital Syndrome Type 2 (FLNA-OPD2); FACIOPALATOOSSEOUS SYNDROME; OPD II SYNDROME; Otopalatodigital Syndrome, Type II. Identifiers: Orphanet 669, Orphanet 90652, MedGen C1844696, MONDO:0010571, OMIM 304120.
Familial thoracic aortic aneurysm and aortic dissection (TAAD). Also called: Thoracic aortic aneurysms and dissections. Identifiers: Orphanet 91387, MedGen C4707243, MONDO:0019625.

Allele frequency attached by ClinVar (database versions not stated): gnomAD exomes 0.00002 and 0.00004; ExAC 0.00005; gnomAD 0.00006 and 0.00007; TOPMed 0.00008.
gnomAD v4.1: 28 of 1,208,379 alleles (0.0023%); highest among the groups gnomAD compares: African/African-American, 0.025%; no homozygotes.

Submissions (6):

Labcorp Genetics (formerly Invitae), Labcorp
Classification: Benign for Oto-palato-digital syndrome, type II; Heterotopia, periventricular, X-linked dominant; Frontometaphyseal dysplasia; Melnick-Needles syndrome. Last evaluated: 2025-09-23. Review status: criteria provided, single submitter. Criteria: Invitae Variant Classification Sherloc (09022015). Collection method: clinical testing. Allele origin: germline.

Mayo Clinic Laboratories, Mayo Clinic
Classification: Uncertain significance. Last evaluated: 2024-10-21. Review status: criteria provided, single submitter. Criteria: ACMG Guidelines, 2015. Collection method: clinical testing. Allele origin: germline. Observed: 2 variant alleles.
Comment: BS2, PP2

ARUP Laboratories, Molecular Genetics and Genomics, ARUP Laboratories
Classification: Uncertain significance. Last evaluated: 2024-03-19. Review status: criteria provided, single submitter. Criteria: ARUP Molecular Germline Variant Investigation Process 2024. Collection method: clinical testing. Allele origin: germline.
Comment: The FLNA c.3106C>T; p.Arg1036Cys variant (rs781844419) is reported in the literature in an individual with suspected Marfan syndrome (Meester 2022). This variant is reported in ClinVar (Variation ID: 519885) and is found in the general population with an overall allele frequency of 0.004% (9/202,871 alleles) in the Genome Aggregation Database (v2.1.1). Computational analyses are uncertain whether this variant is neutral or deleterious (REVEL: 0.683). Due to limited information, the clinical significance of this variant is uncertain at this time. References: Meester JAN et al. Molecular characterization and investigation of the role of genetic variation in phenotypic variability and response to treatment in a large pediatric Marfan syndrome cohort. Genet Med. 2022 May;24(5):1045-1053. PMID: 35058154.

GeneDx
Classification: Uncertain significance. Last evaluated: 2023-08-14. Review status: criteria provided, single submitter. Criteria: GeneDx Variant Classification Process June 2021. Collection method: clinical testing. Allele origin: germline. Affected: yes.
Comment: Identified in a pediatric patient with Marfan syndrome who harbored a second variant in the FLNA gene (Meester et al., 2022); In silico analysis supports that this missense variant has a deleterious effect on protein structure/function; This variant is associated with the following publications: (PMID: 35058154)

Centre of Medical Genetics, University of Antwerp
Classification: Uncertain significance for Heterotopia, periventricular, X-linked dominant. Last evaluated: 2021-03-01. Review status: criteria provided, single submitter. Criteria: ACMG Guidelines, 2015. Collection method: research. Allele origin: unknown. Affected: yes.
Comment: PM2, PP3

Ambry Genetics
Classification: Uncertain significance for Familial thoracic aortic aneurysm and aortic dissection. Last evaluated: 2016-11-29. Review status: criteria provided, single submitter. Criteria: Ambry Variant Classification Scheme 2023. Collection method: clinical testing. Allele origin: germline.
Comment: The p.R1036C variant (also known as c.3106C>T), located in coding exon 20 of the FLNA gene, results from a C to T substitution at nucleotide position 3106. The arginine at codon 1036 is replaced by cysteine, an amino acid with highly dissimilar properties. This amino acid position is highly conserved in available vertebrate species. In addition, this alteration is predicted to be deleterious by in silico analysis. Since supporting evidence is limited at this time, the clinical significance of this alteration remains unclear.

Literature cited by the submitters: PubMed 35058154 (cited by Mayo Clinic Laboratories, Mayo Clinic).